The following is an entry in ClinVar:

NM_000064.4(C3):c.4101A>G (p.Ile1367Met)

Gene: C3 (complement C3; minus strand). Cytogenetic location: 19p13.3.
Variant type: single nucleotide variant.
Coding change: c.4101A>G on transcript NM_000064.4 (MANE Select); coding-DNA position 4101, A replaced by G.
Protein change: p.Ile1367Met; replaces isoleucine 1367 with methionine.
Molecular consequence: missense variant.
Genome position (GRCh38, 1-based): chr19:6,684,579, T>C on the plus strand (A>G on the coding strand, the complement: C3 is on the minus strand). VCF-style: chr19-6684579-T-C. GRCh37 (hg19) VCF-style: chr19-6684590-T-C.
Other names: short protein forms I1367M.
Identifiers: ClinVar variation 1512855 (VCV001512855.8), dbSNP rs1917950038, ClinGen allele CA403617082.

ClinVar aggregate classification (germline): Uncertain significance (1 of 4 stars; one submission).

Submission:

Labcorp Genetics (formerly Invitae), Labcorp
Classification: Uncertain significance. Last evaluated: 2021-04-16. Review status: criteria provided, single submitter. Criteria: Invitae Variant Classification Sherloc (09022015). Collection method: clinical testing. Allele origin: germline.
Comment: In summary, the available evidence is currently insufficient to determine the role of this variant in disease. Therefore, it has been classified as a Variant of Uncertain Significance. Algorithms developed to predict the effect of missense changes on protein structure and function are either unavailable or do not agree on the potential impact of this missense change (SIFT: "Deleterious"; PolyPhen-2: "Benign"; Align-GVGD: "Class C0"). This variant has not been reported in the literature in individuals with C3-related conditions. This variant is not present in population databases (ExAC no frequency). This sequence change replaces isoleucine with methionine at codon 1367 of the C3 protein (p.Ile1367Met). The isoleucine residue is moderately conserved and there is a small physicochemical difference between isoleucine and methionine.